The following is an entry in ClinVar:

NM_206933.4(USH2A):c.1750T>C (p.Cys584Arg)

Gene: USH2A (usherin; minus strand). Cytogenetic location: 1q41.
Variant type: single nucleotide variant.
Coding change: c.1750T>C on transcript NM_206933.4 (MANE Select); coding-DNA position 1750, T replaced by C.
Protein change: p.Cys584Arg; replaces cysteine 584 with arginine.
Molecular consequence: missense variant.
Genome position (GRCh38, 1-based): chr1:216,292,265, A>G on the plus strand (T>C on the coding strand, the complement: USH2A is on the minus strand). VCF-style: chr1-216292265-A-G. GRCh37 (hg19) VCF-style: chr1-216465607-A-G.
Other names: c.1750T>C, p.Cys584Arg (NM_007123.6); short protein forms C584R.
Identifiers: ClinVar variation 4755249 (VCV004755249.1).

ClinVar aggregate classification (germline): Pathogenic (1 of 4 stars; one submission).

Submission:

Labcorp Genetics (formerly Invitae), Labcorp
Classification: Pathogenic. Last evaluated: 2025-03-10. Review status: criteria provided, single submitter. Criteria: Invitae Variant Classification Sherloc (09022015). Collection method: clinical testing. Allele origin: germline.
Comment: This sequence change replaces cysteine, which is neutral and slightly polar, with arginine, which is basic and polar, at codon 584 of the USH2A protein (p.Cys584Arg). This variant is not present in population databases (gnomAD no frequency). This missense change has been observed in individual(s) with clinical features of USH2A-related conditions (internal data). Invitae Evidence Modeling of protein sequence and biophysical properties (such as structural, functional, and spatial information, amino acid conservation, physicochemical variation, residue mobility, and thermodynamic stability) indicates that this missense variant is expected to disrupt USH2A protein function with a positive predictive value of 95%. This variant disrupts the p.Cys584 amino acid residue in USH2A. Other variant(s) that disrupt this residue have been determined to be pathogenic (PMID: 24516651, 26075083). This suggests that this residue is clinically significant, and that variants that disrupt this residue are likely to be disease-causing. For these reasons, this variant has been classified as Pathogenic.

Literature cited by the submitters: PubMed 24516651; PubMed 26075083.